The following is an entry in ClinVar:

NM_020759.3(STARD9):c.12027C>T (p.Ile4009=)

Gene: STARD9 (StAR related lipid transfer domain containing 9; plus strand). Cytogenetic location: 15q15.2.
Variant type: single nucleotide variant.
Coding change: c.12027C>T on transcript NM_020759.3 (MANE Select); coding-DNA position 12027, C replaced by T.
Protein change: p.Ile4009=; no amino-acid change (isoleucine 4009 retained).
Molecular consequence: synonymous variant.
Genome position (GRCh38, 1-based): chr15:42,693,605, C>T. VCF-style: chr15-42693605-C-T. GRCh37 (hg19) VCF-style: chr15-42985803-C-T.
Identifiers: ClinVar variation 3051683 (VCV003051683.2), dbSNP rs1020526167, ClinGen allele CA269903965.

ClinVar aggregate classification (germline): Likely benign (0 of 4 stars; one submission).

Conditions:
STARD9-related disorder. Also called: STARD9-related condition.

Allele frequency attached by ClinVar (database versions not stated): gnomAD 0.00003; TOPMed 0.00004.
gnomAD v4.1: 42 of 1,537,126 alleles (0.0027%); highest among the groups gnomAD compares: African/African-American, 0.011%; no homozygotes.

Submission:

PreventionGenetics, part of Exact Sciences
Classification: Likely benign for STARD9-related condition. Last evaluated: 2020-02-26. Review status: no assertion criteria provided. Collection method: clinical testing. Allele origin: germline.
Comment: This variant is classified as likely benign based on ACMG/AMP sequence variant interpretation guidelines (Richards et al. 2015 PMID: 25741868, with internal and published modifications).